The following is an entry in ClinVar:

NM_006118.4(HAX1):c.281A>T (p.Asp94Val)

Gene: HAX1 (HCLS1 associated protein X-1; plus strand). Cytogenetic location: 1q21.3.
Variant type: single nucleotide variant.
Coding change: c.281A>T on transcript NM_006118.4 (MANE Select); coding-DNA position 281, A replaced by T.
Protein change: p.Asp94Val; replaces aspartic acid 94 with valine.
Molecular consequence: missense variant.
Genome position (GRCh38, 1-based): chr1:154,273,563, A>T. VCF-style: chr1-154273563-A-T. GRCh37 (hg19) VCF-style: chr1-154246039-A-T.
Other names: c.137A>T, p.Asp46Val (NM_001018837.2); short protein forms D46V, D94V.
Identifiers: ClinVar variation 4858272 (VCV004858272.1).
Genomic context (GRCh38, chr1:154,273,563, plus strand): 5'-GTTTCCACGATAACTTCGGCTTTGATGACCTAGTACGAGATTTCAATAGCATCTTCAGCG[A>T]TATGGGGGCCTGGACCTTGCCTTCCCATCCTCCTGGTGTGTGGCTTTCCCTAAGGGGCAA-3'
Protein context (NP_006109.2, residues 84-104): LVRDFNSIFS[Asp94Val]MGAWTLPSHP

ClinVar aggregate classification (germline): Uncertain significance (1 of 4 stars; one submission).

Conditions:
Inborn genetic diseases. Identifiers: MedGen C0950123, MeSH D030342.

Submission:

Ambry Genetics
Classification: Uncertain significance for Inborn genetic diseases. Last evaluated: 2026-04-19. Review status: criteria provided, single submitter. Criteria: Ambry Variant Classification Scheme 2023. Collection method: clinical testing. Allele origin: germline.
Comment: The p.D94V variant (also known as c.281A>T), located in coding exon 2 of the HAX1 gene, results from an A to T substitution at nucleotide position 281. The aspartic acid at codon 94 is replaced by valine, an amino acid with highly dissimilar properties. This amino acid position is conserved. In addition, this alteration is predicted to be tolerated by in silico analysis. Based on the available evidence, the clinical significance of this variant remains unclear.